The following is an entry in ClinVar:

ClinVar aggregate classification (germline): Uncertain significance (1 of 4 stars; one submission).

Conditions:
Baller-Gerold syndrome (BGS). Also called: CRANIOSYNOSTOSIS WITH RADIAL DEFECTS. Identifiers: Orphanet 1225, MedGen C0265308, MONDO:0009039, OMIM 218600.

Submission:

Labcorp Genetics (formerly Invitae), Labcorp
Classification: Uncertain significance for Baller-Gerold syndrome. Last evaluated: 2022-07-02. Review status: criteria provided, single submitter. Criteria: Invitae Variant Classification Sherloc (09022015). Collection method: clinical testing. Allele origin: germline.
Comment: In summary, the available evidence is currently insufficient to determine the role of this variant in disease. Therefore, it has been classified as a Variant of Uncertain Significance. Experimental studies and prediction algorithms are not available or were not evaluated, and the functional significance of this variant is currently unknown. This variant has not been reported in the literature in individuals affected with RECQL4-related conditions. This variant is not present in population databases (gnomAD no frequency). This sequence change replaces serine, which is neutral and polar, with threonine, which is neutral and polar, at codon 234 of the RECQL4 protein (p.Ser234Thr).

NM_004260.4(RECQL4):c.700T>A (p.Ser234Thr)

Gene: RECQL4 (RecQ like helicase 4; minus strand). Cytogenetic location: 8q24.3.
Variant type: single nucleotide variant.
Coding change: c.700T>A on transcript NM_004260.4 (MANE Select); coding-DNA position 700, T replaced by A.
Protein change: p.Ser234Thr; replaces serine 234 with threonine.
Molecular consequence: missense variant.
Genome position (GRCh38, 1-based): chr8:144,516,419, A>T on the plus strand (T>A on the coding strand, the complement: RECQL4 is on the minus strand). VCF-style: chr8-144516419-A-T. GRCh37 (hg19) VCF-style: chr8-145741803-A-T.
Other names: c.700T>A, p.Ser234Thr (NM_001413017.1, NM_001413018.1, NM_001413019.1 and 4 more transcripts); c.-372T>A (NM_001413022.1, NM_001413023.1, NM_001413024.1 and 5 more transcripts); c.571T>A, p.Ser191Thr (NM_001413025.1); c.-434T>A (NM_001413027.1, NM_001413030.1, NM_001413031.1 and 2 more transcripts); c.-276T>A (NM_001413034.1); c.-641T>A (NM_001413043.1); short protein forms S234T, S191T.
Identifiers: ClinVar variation 2013278 (VCV002013278.4), dbSNP rs1815010378, ClinGen allele CA372689621.
Genomic context (GRCh38, chr8:144,516,419, plus strand): 5'-GCTGGGGGCTCCCCACACGGATGCTGACTTCTTGGAAGGCTGAAGCCTCTGGGCCCTGGG[A>T]GCCAGCACCAGGACCAAGGACAGCCGACTCACCAGGGATCAGAAGTTGTGATTCCTCTGA-3'
Protein context (NP_004251.4, residues 224-244): ESAVLGPGAG[Ser234Thr]QGPEASAFQE